The following is an entry in ClinVar:

NM_000091.5(COL4A3):c.3737C>G (p.Ser1246Ter)

Genes: COL4A3 (collagen type IV alpha 3 chain; plus strand), MFF-DT (MFF divergent transcript; minus strand). Cytogenetic location: 2q36.3.
Variant type: single nucleotide variant.
Coding change: c.3737C>G on transcript NM_000091.5 (MANE Select); coding-DNA position 3737, C replaced by G.
Protein change: p.Ser1246Ter; replaces serine 1246 with a stop codon.
Molecular consequence: nonsense.
Genome position (GRCh38, 1-based): chr2:227,297,845, C>G. VCF-style: chr2-227297845-C-G. GRCh37 (hg19) VCF-style: chr2-228162561-C-G.
Other names: short protein forms S1246*.
Identifiers: ClinVar variation 2093215 (VCV002093215.7), dbSNP rs1400784100, ClinGen allele CA350860517.

ClinVar aggregate classification (germline): Pathogenic/Likely pathogenic. Review status: criteria provided, multiple submitters, no conflicts (2 of 4 stars). 3 submissions from 3 submitters: Pathogenic (1); Likely pathogenic (2). Last evaluated 2025-05-21.

Conditions:
Alport syndrome. Also called: Hemorrhagic familial nephritis; Hemorrhagic hereditary nephritis; Congenital hereditary hematuria. Identifiers: Orphanet 63, MedGen C1567741, MONDO:0018965.
Autosomal dominant Alport syndrome (ATS3A). Also called: Alport syndrome dominant type; Renal failure and sensorineural hearing loss; ALPORT SYNDROME 3A, AUTOSOMAL DOMINANT. Identifiers: Orphanet 63, Orphanet 88918, MedGen C5882663, MONDO:0007086, OMIM 104200.
Hematuria, benign familial, 2 (BFH2). Identifiers: MedGen C5830421, MONDO:0958186, OMIM 620320.
Alport syndrome 3b, autosomal recessive. Identifiers: MedGen C5882699, MONDO:0957811, OMIM 620536.

Allele frequency attached by ClinVar (database versions not stated): TOPMed below 0.00001; gnomAD 0.00001.
gnomAD v4.1: 1 of 1,559,546 alleles (0.000064%); highest among the groups gnomAD compares: Non-Finnish European, 0.000087%; no homozygotes.

Submissions (3):

Natera, Inc.
Classification: Likely pathogenic for Alport syndrome. Last evaluated: 2025-05-21. Review status: criteria provided, single submitter. Criteria: Natera Variant Classification Schema (03/2026). Collection method: clinical testing. Allele origin: germline.
Comment: The c.3737C>G variant in COL4A3 is a nonsense variant predicted to introduce a stop codon at amino acid 1246. This variant is expected to result in nonsense mediated decay, truncation, or a dysfunctional protein product. This variant is rare in the general population with a frequency below the threshold expected for the associated phenotype(s). Given the available evidence, this variant is classified as Likely Pathogenic.

Fulgent Genetics
Classification: Likely pathogenic for Autosomal dominant Alport syndrome; Hematuria, benign familial, 2; Alport syndrome 3b, autosomal recessive. Last evaluated: 2024-04-21. Review status: criteria provided, single submitter. Criteria: ACMG Guidelines, 2015. Collection method: clinical testing. Allele origin: germline.

Labcorp Genetics (formerly Invitae), Labcorp
Classification: Pathogenic. Last evaluated: 2022-07-13. Review status: criteria provided, single submitter. Criteria: Invitae Variant Classification Sherloc (09022015). Collection method: clinical testing. Allele origin: germline.
Comment: For these reasons, this variant has been classified as Pathogenic. This variant has not been reported in the literature in individuals affected with COL4A3-related conditions. This sequence change creates a premature translational stop signal (p.Ser1246*) in the COL4A3 gene. It is expected to result in an absent or disrupted protein product. Loss-of-function variants in COL4A3 are known to be pathogenic (PMID: 8956999, 24854265, 26809805, 27281700). This variant is not present in population databases (gnomAD no frequency).

Literature cited by the submitters: PubMed 8956999 (cited by Labcorp Genetics (formerly Invitae), Labcorp); PubMed 24854265 (cited by Labcorp Genetics (formerly Invitae), Labcorp); PubMed 26809805 (cited by Labcorp Genetics (formerly Invitae), Labcorp); PubMed 27281700 (cited by Labcorp Genetics (formerly Invitae), Labcorp).